The following is an entry in ClinVar:

NM_002156.5(HSPD1):c.970-6T>C

Gene: HSPD1 (heat shock protein family D (Hsp60) member 1; minus strand). Cytogenetic location: 2q33.1.
Variant type: single nucleotide variant.
Coding change: c.970-6T>C on transcript NM_002156.5 (MANE Select); 6 bases into the intron before coding-DNA position 970, T replaced by C.
Molecular consequence: intron variant.
Genome position (GRCh38, 1-based): chr2:197,489,253, A>G on the plus strand (T>C on the coding strand, the complement: HSPD1 is on the minus strand). VCF-style: chr2-197489253-A-G. GRCh37 (hg19) VCF-style: chr2-198353977-A-G.
Other names: c.970-6T>C (NM_199440.2).
Identifiers: ClinVar variation 512546 (VCV000512546.10), dbSNP rs749499239, ClinGen allele CA2043447.

ClinVar aggregate classification (germline): Likely benign. Review status: criteria provided, multiple submitters, no conflicts (2 of 4 stars). 3 submissions from 3 submitters: Likely benign (3). Last evaluated 2024-05-22.

Conditions:
Spastic paraplegia. Identifiers: MedGen C0037772, HP:0001258.

Allele frequency attached by ClinVar (database versions not stated): gnomAD exomes 0.00009 and 0.00004; ExAC 0.00015; gnomAD 0.00001; TOPMed 0.00001.
gnomAD v4.1: 56 of 1,613,968 alleles (0.0035%); highest among the groups gnomAD compares: Non-Finnish European, 0.0038%; no homozygotes.

Submissions (3):

Labcorp Genetics (formerly Invitae), Labcorp
Classification: Likely benign for Spastic paraplegia. Last evaluated: 2024-05-22. Review status: criteria provided, single submitter. Criteria: Invitae Variant Classification Sherloc (09022015). Collection method: clinical testing. Allele origin: germline.

Blueprint Genetics
Classification: Likely benign. Last evaluated: 2023-02-03. Review status: criteria provided, single submitter. Criteria: ACMG Guidelines, 2015. Collection method: clinical testing. Allele origin: germline.

GeneDx
Classification: Likely benign. Last evaluated: 2017-10-19. Review status: criteria provided, single submitter. Criteria: GeneDx Variant Classification (06012015). Collection method: clinical testing. Allele origin: germline. Affected: yes.
Comment: This variant is considered likely benign or benign based on one or more of the following criteria: it is a conservative change, it occurs at a poorly conserved position in the protein, it is predicted to be benign by multiple in silico algorithms, and/or has population frequency not consistent with disease.